The following is an entry in ClinVar:

NM_000539.3(RHO):c.874G>A (p.Ala292Thr)

Gene: RHO (rhodopsin; plus strand). Cytogenetic location: 3q22.1.
Variant type: single nucleotide variant.
Coding change: c.874G>A on transcript NM_000539.3 (MANE Select); coding-DNA position 874, G replaced by A.
Protein change: p.Ala292Thr; replaces alanine 292 with threonine.
Molecular consequence: missense variant.
Genome position (GRCh38, 1-based): chr3:129,532,710, G>A. VCF-style: chr3-129532710-G-A. GRCh37 (hg19) VCF-style: chr3-129251553-G-A.
Other names: short protein forms A292T.
Identifiers: ClinVar variation 4855227 (VCV004855227.1).

ClinVar aggregate classification (germline): Likely pathogenic (1 of 4 stars; one submission).

Conditions:
Retinitis pigmentosa 4 (RP4). Also called: RETINITIS PIGMENTOSA, RHODOPSIN-RELATED. Identifiers: Orphanet 791, MedGen C3151001, MONDO:0013395, OMIM 613731.

gnomAD v4.1: 1 of 1,614,214 alleles (0.000062%); highest among the groups gnomAD compares: African/African-American, 0.0013%; no homozygotes.

Submission:

3billion
Classification: Likely pathogenic for Retinitis pigmentosa 4. Last evaluated: 2025-12-11. Review status: criteria provided, single submitter. Criteria: ACMG Guidelines, 2015. Collection method: clinical testing. Allele origin: germline. Affected: yes.
Comment: The variant is observed at an extremely low frequency in the gnomAD v4.1.0 dataset (total allele frequency: <0.001%). Predicted Consequence/Location: Missense variant. Missense changes are a common disease-causing mechanism. In silico tool predictions suggest damaging effect of the variant on gene or gene product [3Cnet: 0.82 (> 0.75, sensitivity 0.96 and precision 0.92)]. The same nucleotide change resulting in the same amino acid change has been previously reported to be associated with RHO-related disorder (PMID: 26766544).A different missense change at the same codon (p.Ala292Glu) has been reported to be associated with RHO-related disorder (ClinVar ID: VCV000013044 /PMID: 8358437). Therefore, this variant is classified as Likely pathogenic according to the recommendation of ACMG/AMP guideline.

Literature cited by the submitters: PubMed 8358437; PubMed 26766544.